The following is an entry in ClinVar:

NM_001375808.2(LPIN2):c.*2076C>A

Gene: LPIN2 (lipin 2; minus strand). Cytogenetic location: 18p11.31.
Variant type: single nucleotide variant.
Coding change: c.*2076C>A on transcript NM_001375808.2 (MANE Select); 2076 bases downstream of the stop codon, C replaced by A.
Molecular consequence: 3 prime UTR variant.
Genome position (GRCh38, 1-based): chr18:2,918,217, G>T on the plus strand (C>A on the coding strand, the complement: LPIN2 is on the minus strand). VCF-style: chr18-2918217-G-T. GRCh37 (hg19) VCF-style: chr18-2918215-G-T.
Other names: c.*2076C>A (NM_001375809.1, NM_014646.2).
Identifiers: ClinVar variation 326575 (VCV000326575.5), dbSNP rs112529707, ClinGen allele CA10647376.
Genomic context (GRCh38, chr18:2,918,217, plus strand): 5'-TGCTAGCAGACACAGGGACAGAGGGACCAGCTACCCTCAACACAGGGCCAGGAGAGCCGG[G>T]TCCTAGACTGAACCCTCTAAGAAGGCCCATGTGTCCAAAGAGAAGAGCTGTCAAGAAAAA-3'

ClinVar aggregate classification (germline): Likely benign (1 of 4 stars; one submission).

Conditions:
Majeed syndrome (MJDS). Also called: CHRONIC RECURRENT MULTIFOCAL OSTEOMYELITIS 1, WITH CONGENITAL DYSERYTHROPOIETIC ANEMIA, WITH OR WITHOUT NEUTROPHILIC DERMATOSIS; LPIN2-Related Majeed Syndrome. Identifiers: Orphanet 77297, MedGen C1864997, MONDO:0012316, OMIM 609628.

Allele frequency attached by ClinVar (database versions not stated): gnomAD 0.00137; TOPMed 0.00160; 1000 Genomes Project 30x 0.00172; 1000 Genomes Project 0.00220.

Submission:

Illumina Laboratory Services, Illumina
Classification: Likely benign for Majeed syndrome. Last evaluated: 2018-01-13. Review status: criteria provided, single submitter. Criteria: ICSL Variant Classification Criteria 13 December 2019. Collection method: clinical testing. Allele origin: germline.
Comment: This variant was observed in the ICSL laboratory as part of a predisposition screen in an ostensibly healthy population. It had not been previously curated by ICSL or reported in the Human Gene Mutation Database (HGMD: prior to June 1st, 2018), and was therefore a candidate for classification through an automated scoring system. Utilizing variant allele frequency, disease prevalence and penetrance estimates, and inheritance mode, an automated score was calculated to assess if this variant is too frequent to cause the disease. Based on the score and internal cut-off values, a variant classified as likely benign is not then subjected to further curation. The score for this variant resulted in a classification of likely benign for this disease.